The following is an entry in ClinVar:

NM_000443.4(ABCB4):c.2699T>G (p.Ile900Arg)

Gene: ABCB4 (ATP binding cassette subfamily B member 4; minus strand). Cytogenetic location: 7q21.12.
Variant type: single nucleotide variant.
Coding change: c.2699T>G on transcript NM_000443.4 (MANE Select); coding-DNA position 2699, T replaced by G.
Protein change: p.Ile900Arg; replaces isoleucine 900 with arginine.
Molecular consequence: missense variant.
Genome position (GRCh38, 1-based): chr7:87,413,701, A>C on the plus strand (T>G on the coding strand, the complement: ABCB4 is on the minus strand). VCF-style: chr7-87413701-A-C. GRCh37 (hg19) VCF-style: chr7-87043017-A-C.
Other names: c.2699T>G, p.Ile900Arg (NM_018849.3, NM_018850.3); short protein forms I900R.
Identifiers: ClinVar variation 5001984 (VCV005001984.1).

ClinVar aggregate classification (germline): Uncertain significance (1 of 4 stars; one submission).

Conditions:
ABCB4-related disorder. Also called: ABCB4-related disorders; ABCB4-related condition.

Submission:

PreventionGenetics, part of Exact Sciences
Classification: Uncertain significance for ABCB4-related condition. Last evaluated: 2025-04-16. Review status: criteria provided, single submitter. Criteria: ACMG Guidelines, 2015. Collection method: clinical testing. Allele origin: germline.
Comment: The ABCB4 c.2699T>G variant is predicted to result in the amino acid substitution p.Ile900Arg. To our knowledge, this variant has not been reported in the literature or in a large population database (gnomAD), indicating this variant is rare. At this time, the clinical significance of this variant is uncertain due to the absence of conclusive functional and genetic evidence.